The following is an entry in ClinVar:

ClinVar aggregate classification (germline): Uncertain significance (1 of 4 stars; one submission).

Allele frequency attached by ClinVar (database versions not stated): ExAC 0.00001; gnomAD 0.00001; 1000 Genomes Project 30x 0.00016; 1000 Genomes Project 0.00020.

Submission:

Labcorp Genetics (formerly Invitae), Labcorp
Classification: Uncertain significance. Last evaluated: 2023-07-16. Review status: criteria provided, single submitter. Criteria: Invitae Variant Classification Sherloc (09022015). Collection method: clinical testing. Allele origin: germline.
Comment: In summary, the available evidence is currently insufficient to determine the role of this variant in disease. Therefore, it has been classified as a Variant of Uncertain Significance. An algorithm developed to predict the effect of missense changes on protein structure and function (PolyPhen-2) suggests that this variant is likely to be tolerated. This variant has not been reported in the literature in individuals affected with LRRC8A-related conditions. This variant is present in population databases (rs552188883, gnomAD 0.003%). This sequence change replaces leucine, which is neutral and non-polar, with phenylalanine, which is neutral and non-polar, at codon 277 of the LRRC8A protein (p.Leu277Phe).

NM_019594.4(LRRC8A):c.829C>T (p.Leu277Phe)

Gene: LRRC8A (leucine rich repeat containing 8 VRAC subunit A; plus strand). Cytogenetic location: 9q34.11.
Variant type: single nucleotide variant.
Coding change: c.829C>T on transcript NM_019594.4 (MANE Select); coding-DNA position 829, C replaced by T.
Protein change: p.Leu277Phe; replaces leucine 277 with phenylalanine.
Molecular consequence: missense variant.
Genome position (GRCh38, 1-based): chr9:128,907,993, C>T. VCF-style: chr9-128907993-C-T. GRCh37 (hg19) VCF-style: chr9-131670272-C-T.
Other names: c.829C>T, p.Leu277Phe (NM_001127244.2, NM_001127245.2); short protein forms L277F.
Identifiers: ClinVar variation 2809417 (VCV002809417.3), dbSNP rs552188883, ClinGen allele CA5270777.
Genomic context (GRCh38, chr9:128,907,993, plus strand): 5'-GGGGACATTGTGTACCGCCTCTACATGCGGCAGACCATCATCAAGGTGATCAAGTTCATC[C>T]TCATCATCTGCTACACCGTCTACTACGTGCACAACATCAAGTTCGACGTGGACTGCACCG-3'
Protein context (NP_062540.2, residues 267-287): QTIIKVIKFI[Leu277Phe]IICYTVYYVH